The following is an entry in ClinVar:

NM_017841.4(SDHAF2):c.356A>T (p.Tyr119Phe)

Gene: SDHAF2 (succinate dehydrogenase complex assembly factor 2; plus strand). Cytogenetic location: 11q12.2.
Variant type: single nucleotide variant.
Coding change: c.356A>T on transcript NM_017841.4 (MANE Select); coding-DNA position 356, A replaced by T.
Protein change: p.Tyr119Phe; replaces tyrosine 119 with phenylalanine.
Molecular consequence: missense variant.
Genome position (GRCh38, 1-based): chr11:61,438,099, A>T. VCF-style: chr11-61438099-A-T. GRCh37 (hg19) VCF-style: chr11-61205571-A-T.
Other names: short protein forms Y119F.
Identifiers: ClinVar variation 5029219 (VCV005029219.1).

ClinVar aggregate classification (germline): Uncertain significance (1 of 4 stars; one submission).

Conditions:
Hereditary cancer-predisposing syndrome. Also called: Neoplastic Syndromes, Hereditary; Tumor predisposition; Hereditary neoplastic syndrome; Hereditary Cancer Syndrome. Identifiers: Orphanet 140162, MedGen C0027672, MeSH D009386, MONDO:0015356.

Submission:

Ambry Genetics
Classification: Uncertain significance for Hereditary cancer-predisposing syndrome. Last evaluated: 2026-07-01. Review status: criteria provided, single submitter. Criteria: Ambry Variant Classification Scheme 2023. Collection method: clinical testing. Allele origin: germline.
Comment: The p.Y119F variant (also known as c.356A>T), located in coding exon 3 of the SDHAF2 gene, results from an A to T substitution at nucleotide position 356. The tyrosine at codon 119 is replaced by phenylalanine, an amino acid with highly similar properties. This amino acid position is conserved. In addition, the in silico prediction for this alteration is inconclusive. Based on the available evidence, the clinical significance of this variant remains unclear.